The following is an entry in ClinVar:

ClinVar aggregate classification (germline): Pathogenic. Review status: reviewed by expert panel (3 of 4 stars). 5 submissions from 5 submitters: Pathogenic (1). 4 of the submissions do not count toward it. Last evaluated 2025-05-16.

Conditions:
Familial adenomatous polyposis 1 (FAP1). Also called: POLYPOSIS, ADENOMATOUS INTESTINAL; FAMILIAL ADENOMATOUS POLYPOSIS 1, ATTENUATED. Identifiers: MedGen C2713442, MONDO:0021056, OMIM 175100. Disease mechanism: loss of function.
Hereditary cancer-predisposing syndrome. Also called: Hereditary Cancer Syndrome; Hereditary neoplastic syndrome; Neoplastic Syndromes, Hereditary; Tumor predisposition. Identifiers: Orphanet 140162, MedGen C0027672, MeSH D009386, MONDO:0015356.

Submissions (5):

ClinGen InSiGHT Hereditary Colorectal Cancer/Polyposis Variant Curation Expert Panel
Classification: Pathogenic for Familial adenomatous polyposis 1. Last evaluated: 2025-05-16. Review status: reviewed by expert panel. Criteria: ClinGen InSiGHT HCCP VCEP ACMG Specifications APC V1. Collection method: curation. Allele origin: germline. Inheritance: Autosomal dominant inheritance.
Comment: The NM_000038.6(APC):c.220+1G>A variant in APC occurs within the canonical splice donor site (+1) of intron 3. It is predicted to cause skipping of exon 3, resulting in a frameshift in a gene in which loss-of-function is an established disease mechanism (PVS1). This prediction is confirmed by RNA analysis (internal data from Ambry Genetics and Invitae). This variant has been reported in one family meeting phenotypic criteria, resulting in a total phenotype score of 1 (PS4_Supporting, [internal data from Ambry Genetics]). This variant is absent from gnomAD v2.1.1 (PM2_Supporting). In summary, this variant meets the criteria to be classified as Pathogenic for autosomal-dominant inherited FAP based on the ACMG/AMP criteria applied, as specified by the HCCP VCEP: criteria PVS1, PS4_Supporting and PM2_Supporting applied (VCEP specifications v2.1.0; date of approval 11/24/2023).

Labcorp Genetics (formerly Invitae), Labcorp
Classification: Pathogenic for Familial adenomatous polyposis 1. Last evaluated: 2026-01-31. Review status: criteria provided, single submitter. Criteria: Invitae Variant Classification Sherloc (09022015). Collection method: clinical testing. Allele origin: germline. Not counted in ClinVar's aggregate classification.
Comment: This sequence change affects a donor splice site in intron 3 of the APC gene. RNA analysis indicates that disruption of this splice site induces altered splicing and may result in an absent or altered protein product. This variant is not present in population databases (gnomAD no frequency). Disruption of this splice site has been observed in individual(s) with familial adenomatous polyposis (internal data). ClinVar contains an entry for this variant (Variation ID: 433598). Studies have shown that disruption of this splice site results in skipping of exon 3 and/or activation of a cryptic splice site, and produces a non-functional protein and/or introduces a premature termination codon (internal data). For these reasons, this variant has been classified as Pathogenic.

Ambry Genetics
Classification: Pathogenic for Hereditary cancer-predisposing syndrome. Last evaluated: 2024-12-26. Review status: criteria provided, single submitter. Criteria: Ambry Variant Classification Scheme 2023. Collection method: clinical testing. Allele origin: germline. Not counted in ClinVar's aggregate classification.
Comment: The c.220+1G>A intronic pathogenic mutation results from a G to A substitution one nucleotide after coding exon 2 of the APC gene. This variant was not reported in population-based cohorts in the Genome Aggregation Database (gnomAD). In silico splice site analysis predicts that this alteration will weaken the native splice donor site and will result in the creation or strengthening of a novel splice donor site. RNA studies have demonstrated this alteration results in abnormal splicing in the set of samples tested (Ambry internal data). This alteration has been observed in at least one individual who has a personal or family history that is consistent with APC-associated disease (Ambry internal data). Alterations that disrupt the canonical splice site are expected to cause aberrant splicing, resulting in an abnormal protein or a transcript that is subject to nonsense-mediated mRNA decay. Based on the supporting evidence, this alteration is interpreted as a disease-causing mutation.

Myriad Genetics, Inc.
Classification: Likely pathogenic for Familial adenomatous polyposis 1. Last evaluated: 2024-06-10. Review status: criteria provided, single submitter. Criteria: Myriad Autosomal Dominant, Autosomal Recessive and X-Linked Classification Criteria (2023). Collection method: clinical testing. Allele origin: unknown. Not counted in ClinVar's aggregate classification.
Comment: This variant is considered likely pathogenic. This variant occurs within a consensus splice junction and is predicted to result in abnormal mRNA splicing of either an out-of-frame exon or an in-frame exon necessary for protein stability and/or normal function.

Department of Pathology and Laboratory Medicine, Sinai Health System
Classification: Pathogenic for Familial adenomatous polyposis 1. Review status: no assertion criteria provided. Collection method: clinical testing. Allele origin: unknown. Affected: yes. Observed: 1 variant allele. Study: The Canadian Open Genetics Repository (COGR). Not counted in ClinVar's aggregate classification.
Comment: The APC c.220+1G>A variant was not identified in the literature, nor was it identified in the dbSNP, NHLBI Exome Sequencing Project, HGMD, UMD, â€šÃ„ÃºInSiGHT Colon Cancer Databaseâ€šÃ„Ã¹, or COSMIC database. The variant is predicted to cause abnormal splicing because the nucleotide substitution occurs in the invariant +1 position of the splice consensus sequence; in addition, four in silico or computational prediction software programs (SpliceSiteFinder, MaxEntScan, NNSPLICE, HumanSpliceFinder) predict a difference in splicing. In summary, based on the above information, this variant meets our laboratoryâ€šÃ„Ã´s criteria to be classified as pathogenic.

NM_000038.6(APC):c.220+1G>A

Gene: APC (APC regulator of Wnt signaling pathway; plus strand). Cytogenetic location: 5q22.2.
Variant type: single nucleotide variant.
Coding change: c.220+1G>A on transcript NM_000038.6 (MANE Select); the canonical splice donor site of the intron after coding-DNA position 220, G replaced by A.
Molecular consequence: splice donor variant.
Genome position (GRCh38, 1-based): chr5:112,766,411, G>A. VCF-style: chr5-112766411-G-A. GRCh37 (hg19) VCF-style: chr5-112102108-G-A.
Other names: c.-816+1G>A (NM_001407470.1, NM_001407472.1, NM_001354906.2 and 1 more transcripts); c.220+1G>A (NM_001407447.1, NM_001354895.2, NM_001407456.1 and 16 more transcripts); c.250+1G>A (NM_001407446.1, NM_001354897.2, NM_001354902.2 and 1 more transcripts); c.43+1G>A (NM_001407453.1, NM_001354900.2, NM_001354901.2 and 1 more transcripts); c.145+1G>A (NM_001407451.1, NM_001354898.2, NM_001354904.2).
Identifiers: ClinVar variation 433598 (VCV000433598.11), dbSNP rs1554069570, ClinGen allele CA360617465.